The following is an entry in ClinVar:

NM_003054.6(SLC18A2):c.1071-3T>A

Gene: SLC18A2 (solute carrier family 18 member A2; plus strand). Cytogenetic location: 10q25.3.
Variant type: single nucleotide variant.
Coding change: c.1071-3T>A on transcript NM_003054.6 (MANE Select); 3 bases into the intron before coding-DNA position 1071, T replaced by A.
Molecular consequence: intron variant.
Genome position (GRCh38, 1-based): chr10:117,266,981, T>A. VCF-style: chr10-117266981-T-A. GRCh37 (hg19) VCF-style: chr10-119026492-T-A.
Identifiers: ClinVar variation 2188574 (VCV002188574.4), dbSNP rs363267, ClinGen allele CA596169406.

ClinVar aggregate classification (germline): Uncertain significance (1 of 4 stars; one submission).

Allele frequency attached by ClinVar (database versions not stated): gnomAD exomes below 0.00001; TOPMed 0.00005; gnomAD 0.00008.
gnomAD v4.1: 15 of 1,612,608 alleles (0.00093%); highest among the groups gnomAD compares: Admixed American, 0.025%; no homozygotes.

Submission:

Labcorp Genetics (formerly Invitae), Labcorp
Classification: Uncertain significance. Last evaluated: 2022-08-02. Review status: criteria provided, single submitter. Criteria: Invitae Variant Classification Sherloc (09022015). Collection method: clinical testing. Allele origin: germline.
Comment: In summary, the available evidence is currently insufficient to determine the role of this variant in disease. Therefore, it has been classified as a Variant of Uncertain Significance. Variants that disrupt the consensus splice site are a relatively common cause of aberrant splicing (PMID: 17576681, 9536098). Algorithms developed to predict the effect of sequence changes on RNA splicing suggest that this variant may disrupt the consensus splice site. This variant has not been reported in the literature in individuals affected with SLC18A2-related conditions. This variant is present in population databases (no rsID available, gnomAD 0.009%). This sequence change falls in intron 11 of the SLC18A2 gene. It does not directly change the encoded amino acid sequence of the SLC18A2 protein. It affects a nucleotide within the consensus splice site.

Literature cited by the submitters: PubMed 17576681; PubMed 9536098.